The following is an entry in ClinVar:

ClinVar aggregate classification (germline): Likely benign (1 of 4 stars; one submission).

Conditions:
THBS1-related disorder. Also called: THBS1-related condition.

gnomAD v4.1: 2,578 of 1,613,970 alleles (0.16%); highest among the groups gnomAD compares: Non-Finnish European, 0.19%; 1 homozygote.

Submission:

PreventionGenetics, part of Exact Sciences
Classification: Likely benign for THBS1-related condition. Last evaluated: 2026-07-29. Review status: criteria provided, single submitter. Criteria: ACMG Guidelines, 2015. Collection method: clinical testing. Allele origin: germline.
Comment: This variant is classified as likely benign based on ACMG/AMP sequence variant interpretation guidelines (Richards et al. 2015 PMID: 25741868, with internal and published modifications).

NM_003246.4(THBS1):c.1185T>C (p.Cys395=)

Gene: THBS1 (thrombospondin 1; plus strand). Cytogenetic location: 15q14.
Variant type: single nucleotide variant.
Coding change: c.1185T>C on transcript NM_003246.4 (MANE Select); coding-DNA position 1185, T replaced by C.
Protein change: p.Cys395=; no amino-acid change (cysteine 395 retained).
Molecular consequence: synonymous variant.
Genome position (GRCh38, 1-based): chr15:39,587,411, T>C. VCF-style: chr15-39587411-T-C. GRCh37 (hg19) VCF-style: chr15-39879612-T-C.
Identifiers: ClinVar variation 4984958 (VCV004984958.1).
Genomic context (GRCh38, chr15:39,587,411, plus strand): 5'-CGACTCTGCGGACGATGGCTGGTCTCCATGGTCCGAGTGGACCTCCTGTTCTACGAGCTG[T>C]GGCAATGGAATTCAGCAGCGCGGCCGCTCCTGCGATAGCCTCAACAACCGATGTGAGGGC-3'
Protein context (NP_003237.2, residues 385-405): WSEWTSCSTS[Cys395=]GNGIQQRGRS